The following is an entry in ClinVar:

ClinVar aggregate classification (germline): Uncertain significance. Review status: criteria provided, multiple submitters, no conflicts (2 of 4 stars). 2 submissions from 2 submitters: Uncertain significance (2). Last evaluated 2025-10-31.

Conditions:
Hereditary cancer-predisposing syndrome. Also called: Neoplastic Syndromes, Hereditary; Tumor predisposition; Hereditary neoplastic syndrome; Hereditary Cancer Syndrome. Identifiers: Orphanet 140162, MedGen C0027672, MeSH D009386, MONDO:0015356.
POLD1-related polyposis and colorectal cancer syndrome (CRCS10). Also called: COLORECTAL CANCER, SUSCEPTIBILITY TO, ON CHROMOSOME 19q; Colorectal cancer 10; Colorectal cancer, susceptibility to, 10. Identifiers: Orphanet 220460, MedGen C2675481, MONDO:0012953, OMIM 612591.

Submissions (2):

Ambry Genetics
Classification: Uncertain significance for Hereditary cancer-predisposing syndrome. Last evaluated: 2025-10-31. Review status: criteria provided, single submitter. Criteria: Ambry Variant Classification Scheme 2023. Collection method: clinical testing. Allele origin: germline.
Comment: The p.L310W variant (also known as c.929T>G), located in coding exon 7 of the POLD1 gene, results from a T to G substitution at nucleotide position 929. The leucine at codon 310 is replaced by tryptophan, an amino acid with similar properties. This amino acid position is conserved. In addition, the in silico prediction for this alteration is inconclusive. Based on the available evidence, the clinical significance of this variant remains unclear.

Labcorp Genetics (formerly Invitae), Labcorp
Classification: Uncertain significance for POLD1-related polyposis and colorectal cancer syndrome. Last evaluated: 2025-06-29. Review status: criteria provided, single submitter. Criteria: Invitae Variant Classification Sherloc (09022015). Collection method: clinical testing. Allele origin: germline.
Comment: This sequence change replaces leucine, which is neutral and non-polar, with tryptophan, which is neutral and slightly polar, at codon 310 of the POLD1 protein (p.Leu310Trp). This variant is not present in population databases (gnomAD no frequency). This variant has not been reported in the literature in individuals affected with POLD1-related conditions. Invitae Evidence Modeling of protein sequence and biophysical properties (such as structural, functional, and spatial information, amino acid conservation, physicochemical variation, residue mobility, and thermodynamic stability) indicates that this missense variant is not expected to disrupt POLD1 protein function with a negative predictive value of 80%. In summary, the available evidence is currently insufficient to determine the role of this variant in disease. Therefore, it has been classified as a Variant of Uncertain Significance.

NM_002691.4(POLD1):c.929T>G (p.Leu310Trp)

Gene: POLD1 (DNA polymerase delta 1, catalytic subunit; plus strand). Cytogenetic location: 19q13.33.
Variant type: single nucleotide variant.
Coding change: c.929T>G on transcript NM_002691.4 (MANE Select); coding-DNA position 929, T replaced by G.
Protein change: p.Leu310Trp; replaces leucine 310 with tryptophan.
Molecular consequence: missense variant. On other transcripts: non-coding transcript variant (1).
Genome position (GRCh38, 1-based): chr19:50,402,700, T>G. VCF-style: chr19-50402700-T-G. GRCh37 (hg19) VCF-style: chr19-50905957-T-G.
Other names: c.929T>G, p.Leu310Trp (NM_001256849.1, NM_001308632.1, NM_001438210.1 and 3 more transcripts); short protein forms L310W.
Identifiers: ClinVar variation 4669217 (VCV004669217.2).